The following is an entry in ClinVar:

ClinVar aggregate classification (germline): Uncertain significance (1 of 4 stars; one submission).

Allele frequency attached by ClinVar (database versions not stated): gnomAD exomes below 0.00001; ExAC 0.00001; TOPMed 0.00001.
gnomAD v4.1: 1 of 1,614,216 alleles (0.000062%); highest among the groups gnomAD compares: Non-Finnish European, 0.000085%; no homozygotes.

Submission:

Labcorp Genetics (formerly Invitae), Labcorp
Classification: Uncertain significance. Last evaluated: 2024-08-13. Review status: criteria provided, single submitter. Criteria: Invitae Variant Classification Sherloc (09022015). Collection method: clinical testing. Allele origin: germline.
Comment: This sequence change replaces valine, which is neutral and non-polar, with alanine, which is neutral and non-polar, at codon 632 of the SLC20A2 protein (p.Val632Ala). This variant is present in population databases (rs753102688, gnomAD 0.0009%). This variant has not been reported in the literature in individuals affected with SLC20A2-related conditions. ClinVar contains an entry for this variant (Variation ID: 1450476). Advanced modeling of protein sequence and biophysical properties (such as structural, functional, and spatial information, amino acid conservation, physicochemical variation, residue mobility, and thermodynamic stability) performed at Invitae indicates that this missense variant is not expected to disrupt SLC20A2 protein function with a negative predictive value of 80%. In summary, the available evidence is currently insufficient to determine the role of this variant in disease. Therefore, it has been classified as a Variant of Uncertain Significance.

NM_001257180.2(SLC20A2):c.1895T>C (p.Val632Ala)

Gene: SLC20A2 (solute carrier family 20 member 2; minus strand). Cytogenetic location: 8p11.21.
Variant type: single nucleotide variant.
Coding change: c.1895T>C on transcript NM_001257180.2 (MANE Select); coding-DNA position 1895, T replaced by C.
Protein change: p.Val632Ala; replaces valine 632 with alanine.
Molecular consequence: missense variant.
Genome position (GRCh38, 1-based): chr8:42,417,867, A>G on the plus strand (T>C on the coding strand, the complement: SLC20A2 is on the minus strand). VCF-style: chr8-42417867-A-G. GRCh37 (hg19) VCF-style: chr8-42275385-A-G.
Other names: c.1895T>C, p.Val632Ala (NM_001257181.2, NM_006749.5); short protein forms V632A.
Identifiers: ClinVar variation 1450476 (VCV001450476.9), dbSNP rs753102688, ClinGen allele CA4733176.
Genomic context (GRCh38, chr8:42,417,867, plus strand): 5'-ACATATGGAAGGATCCCATACATGAGAAGAGCCATGACAGCAGCGCTGAACAGCCCAGCC[A>G]CAGGGACGGTCACGAACCAGGCCACGAAGATGTTCCGAAAGAGGCGCCAGTCCACAGCCT-3'
Protein context (NP_001244109.1, residues 622-642): IFVAWFVTVP[Val632Ala]AGLFSAAVMA